The following is an entry in ClinVar:

ClinVar aggregate classification (germline): Conflicting classifications of pathogenicity. Review status: criteria provided, conflicting classifications (1 of 4 stars). 4 submissions from 4 submitters: Uncertain significance (3); Likely benign (1). Last evaluated 2024-12-03.

Conditions:
Inborn genetic diseases. Identifiers: MedGen C0950123, MeSH D030342.

Allele frequency attached by ClinVar (database versions not stated): gnomAD 0.00001; gnomAD exomes 0.00001 and 0.00004; ExAC 0.00002; TOPMed 0.00003.
gnomAD v4.1: 9 of 1,613,830 alleles (0.00056%); highest among the groups gnomAD compares: Admixed American, 0.0067%; no homozygotes.

Submissions (4):

Labcorp Genetics (formerly Invitae), Labcorp
Classification: Likely benign. Last evaluated: 2024-12-03. Review status: criteria provided, single submitter. Criteria: Invitae Variant Classification Sherloc (09022015). Collection method: clinical testing. Allele origin: germline.

Ambry Genetics
Classification: Uncertain significance for Inborn genetic diseases. Last evaluated: 2024-03-01. Review status: criteria provided, single submitter. Criteria: Ambry Variant Classification Scheme 2023. Collection method: clinical testing. Allele origin: germline.

Blueprint Genetics
Classification: Uncertain significance. Last evaluated: 2019-05-28. Review status: criteria provided, single submitter. Criteria: ACMG Guidelines, 2015. Collection method: clinical testing. Allele origin: germline.

Laboratory for Molecular Medicine, Mass General Brigham Personalized Medicine
Classification: Uncertain significance. Last evaluated: 2015-01-29. Review status: criteria provided, single submitter. Criteria: LMM Criteria. Collection method: clinical testing. Allele origin: germline. Observed: 1 variant allele.
Comment: The p.Tyr2583Cys variant in GPR98 has not been previously reported in individual s with hearing loss. This variant has been identified in 2/8738 of East Asian c hromosomes by the Exome Aggregation Consortium (ExAC .org). Although this variant has been seen in the general population, its frequ ency is not high enough to rule out a pathogenic role. Computational prediction tools and conservation analyses suggest that the Tyr2583Cys variant may impact the protein, though this information is not predictive enough to determine patho genicity. In summary, the clinical significance of the Tyr2583Cys variant is un certain.

NM_032119.4(ADGRV1):c.7748A>G (p.Tyr2583Cys)

Gene: ADGRV1 (adhesion G protein-coupled receptor V1; plus strand). Cytogenetic location: 5q14.3.
Variant type: single nucleotide variant.
Coding change: c.7748A>G on transcript NM_032119.4 (MANE Select); coding-DNA position 7748, A replaced by G.
Protein change: p.Tyr2583Cys; replaces tyrosine 2583 with cysteine.
Molecular consequence: missense variant. On other transcripts: non-coding transcript variant (1).
Genome position (GRCh38, 1-based): chr5:90,694,504, A>G. VCF-style: chr5-90694504-A-G. GRCh37 (hg19) VCF-style: chr5-89990321-A-G.
Other names: short protein forms Y2583C.
Identifiers: ClinVar variation 228724 (VCV000228724.15), dbSNP rs778879752, ClinGen allele CA3340084.